The following is an entry in ClinVar:

NM_014249.4(NR2E3):c.1184T>C (p.Ile395Thr)

Gene: NR2E3 (nuclear receptor subfamily 2 group E member 3; plus strand). Cytogenetic location: 15q23.
Variant type: single nucleotide variant.
Coding change: c.1184T>C on transcript NM_014249.4 (MANE Select); coding-DNA position 1184, T replaced by C.
Protein change: p.Ile395Thr; replaces isoleucine 395 with threonine.
Molecular consequence: missense variant.
Genome position (GRCh38, 1-based): chr15:71,817,635, T>C. VCF-style: chr15-71817635-T-C. GRCh37 (hg19) VCF-style: chr15-72109976-T-C.
Other names: short protein forms I395T.
Identifiers: ClinVar variation 964873 (VCV000964873.9), dbSNP rs529102778, ClinGen allele CA7640541.

ClinVar aggregate classification (germline): Uncertain significance. Review status: criteria provided, multiple submitters, no conflicts (2 of 4 stars). 4 submissions from 4 submitters: Uncertain significance (3). 1 of the submissions does not count toward it. Last evaluated 2025-11-25.

Conditions:
Enhanced S-cone syndrome (ESCS). Identifiers: Orphanet 53540, MedGen C1849394, MONDO:0100288, MONDO:0009989.
NR2E3-related disorder. Also called: NR2E3-related disorders; NR2E3-related condition. Identifiers: MedGen CN239387.

Allele frequency attached by ClinVar (database versions not stated): gnomAD 0.00001 and 0.00002; gnomAD exomes 0.00001 and 0.00002; ExAC 0.00004; TOPMed 0.00009; 1000 Genomes Project 30x 0.00016; 1000 Genomes Project 0.00020.
gnomAD v4.1: 19 of 1,610,542 alleles (0.0012%); highest among the groups gnomAD compares: East Asian, 0.022%; no homozygotes.

Submissions (4):

PreventionGenetics, part of Exact Sciences
Classification: Uncertain significance for NR2E3-related condition. Last evaluated: 2025-11-25. Review status: criteria provided, single submitter. Criteria: ACMG Guidelines, 2015. Collection method: clinical testing. Allele origin: germline.
Comment: The NR2E3 c.1184T>C variant is predicted to result in the amino acid substitution p.Ile395Thr. This variant was reported in a retinitis pigmentosa cohort study (Table S3, Gao et al. 2019. PubMed ID: 31054281). This variant is reported in 0.017% of alleles in individuals of East Asian descent in gnomAD. At this time, the clinical significance of this variant is uncertain due to the absence of conclusive functional and genetic evidence.

Labcorp Genetics (formerly Invitae), Labcorp
Classification: Uncertain significance. Last evaluated: 2024-12-02. Review status: criteria provided, single submitter. Criteria: Invitae Variant Classification Sherloc (09022015). Collection method: clinical testing. Allele origin: germline.
Comment: This sequence change replaces isoleucine, which is neutral and non-polar, with threonine, which is neutral and polar, at codon 395 of the NR2E3 protein (p.Ile395Thr). This variant is present in population databases (rs529102778, gnomAD 0.01%). This missense change has been observed in individual(s) with clinical features of NR2E3-related conditions (PMID: 31054281). ClinVar contains an entry for this variant (Variation ID: 964873). Invitae Evidence Modeling of protein sequence and biophysical properties (such as structural, functional, and spatial information, amino acid conservation, physicochemical variation, residue mobility, and thermodynamic stability) indicates that this missense variant is not expected to disrupt NR2E3 protein function with a negative predictive value of 80%. In summary, the available evidence is currently insufficient to determine the role of this variant in disease. Therefore, it has been classified as a Variant of Uncertain Significance.

Blueprint Genetics
Classification: Uncertain significance. Last evaluated: 2022-04-07. Review status: criteria provided, single submitter. Criteria: ACMG Guidelines, 2015. Collection method: clinical testing. Allele origin: germline.

Natera, Inc.
Classification: Uncertain significance for Enhanced S cone syndrome. Last evaluated: 2020-09-02. Review status: no assertion criteria provided. Collection method: clinical testing. Allele origin: germline. Not counted in ClinVar's aggregate classification.

Literature cited by the submitters: PubMed 31054281 (cited by Labcorp Genetics (formerly Invitae), Labcorp).